The following is an entry in ClinVar:

NM_001972.4(ELANE):c.502G>T (p.Val168Phe)

Gene: ELANE (elastase, neutrophil expressed; plus strand). Cytogenetic location: 19p13.3.
Variant type: single nucleotide variant.
Coding change: c.502G>T on transcript NM_001972.4 (MANE Select); coding-DNA position 502, G replaced by T.
Protein change: p.Val168Phe; replaces valine 168 with phenylalanine.
Molecular consequence: missense variant.
Genome position (GRCh38, 1-based): chr19:855,699, G>T. VCF-style: chr19-855699-G-T. GRCh37 (hg19) VCF-style: chr19-855699-G-T.
Other names: short protein forms V168F.
Identifiers: ClinVar variation 5035908 (VCV005035908.1).
Genomic context (GRCh38, chr19:855,699, plus strand): 5'-GGGGTGCAGTGCCTGGCCATGGGCTGGGGCCTTCTGGGCAGGAACCGTGGGATCGCCAGC[G>T]TCCTGCAGGAGCTCAACGTGACGGTGGTGACGTCCCTCTGCCGTCGCAGCAACGTCTGCA-3'
Protein context (NP_001963.1, residues 158-178): LLGRNRGIAS[Val168Phe]LQELNVTVVT

ClinVar aggregate classification (germline): Uncertain significance (1 of 4 stars; one submission).

Conditions:
Inborn genetic diseases. Identifiers: MedGen C0950123, MeSH D030342.

Submission:

Ambry Genetics
Classification: Uncertain significance for Inborn genetic diseases. Last evaluated: 2026-09-01. Review status: criteria provided, single submitter. Criteria: Ambry Variant Classification Scheme 2023. Collection method: clinical testing. Allele origin: germline.
Comment: The p.V168F variant (also known as c.502G>T), located in coding exon 4 of the ELANE gene, results from a G to T substitution at nucleotide position 502. The valine at codon 168 is replaced by phenylalanine, an amino acid with highly similar properties. This amino acid position is conserved. In addition, the in silico prediction for this alteration is inconclusive. Based on the available evidence, the clinical significance of this variant remains unclear.